The following is an entry in ClinVar:

ClinVar aggregate classification (germline): Pathogenic. Review status: criteria provided, multiple submitters, no conflicts (2 of 4 stars). 2 submissions from 2 submitters: Pathogenic (2). Last evaluated 2025-01-10.

Conditions:
Cardiovascular phenotype. Identifiers: MedGen CN230736.
Arrhythmogenic right ventricular dysplasia 8 (ARVD8). Also called: Arrhythmogenic Right Ventricular Dysplasia/Cardiomyopathy 8; ARRHYTHMOGENIC RIGHT VENTRICULAR DYSPLASIA, FAMILIAL, 8; ARRHYTHMOGENIC RIGHT VENTRICULAR CARDIOMYOPATHY 8. Identifiers: MedGen C1843896, MONDO:0011831, OMIM 607450.
Arrhythmogenic cardiomyopathy with wooly hair and keratoderma. Also called: PALMOPLANTAR KERATODERMA WITH LEFT VENTRICULAR CARDIOMYOPATHY AND WOOLLY HAIR; Carvajal syndrome; Arrhythmogenic cardiomyopathy with woolly hair and keratoderma; Dilated cardiomyopathy with woolly hair and keratoderma. Identifiers: Orphanet 65282, MedGen C1854063, MONDO:0011581, OMIM 605676.

Submissions (2):

Ambry Genetics
Classification: Pathogenic for Cardiovascular phenotype. Last evaluated: 2025-01-10. Review status: criteria provided, single submitter. Criteria: Ambry Variant Classification Scheme 2023. Collection method: clinical testing. Allele origin: germline.
Comment: The p.Q1672* pathogenic mutation (also known as c.5014C>T), located in coding exon 23 of the DSP gene, results from a C to T substitution at nucleotide position 5014. This changes the amino acid from a glutamine to a stop codon within coding exon 23. This variant was reported in individual(s) with features consistent with dilated cardiomyopathy (DCM) (Seidelmann SB et al. Circ Cardiovasc Genet. 2017 Feb;10(1)). This variant is considered to be rare based on population cohorts in the Genome Aggregation Database (gnomAD). Alterations in DSP that result in haploinsufficiency or protein truncation have been reported in patients with arrhythmogenic right ventricular cardiomyopathy (ARVC) and DCM (Fressart V et al. Europace. 2010;12(6):861-8; Elliott P et al. Circ Cardiovasc Genet. 2010;3(4):314-22; Quarta G et al. Circulation. 2011;123(23):2701-9; Garcia-Pavia P et al. Heart. 2011;97(21):1744-52; Rasmussen TB et al. Clin Genet. 2013;84(1):20-30; Pugh TJ et al. Genet Med. 2014;16(8):601-8). This alteration is expected to result in loss of function by premature protein truncation or nonsense-mediated mRNA decay. Based on the supporting evidence, this variant is interpreted as a disease-causing mutation.

Labcorp Genetics (formerly Invitae), Labcorp
Classification: Pathogenic for Arrhythmogenic cardiomyopathy with wooly hair and keratoderma; Arrhythmogenic right ventricular dysplasia 8. Last evaluated: 2020-10-15. Review status: criteria provided, single submitter. Criteria: Invitae Variant Classification Sherloc (09022015). Collection method: clinical testing. Allele origin: germline.
Comment: This sequence change creates a premature translational stop signal (p.Gln1672*) in the DSP gene. It is expected to result in an absent or disrupted protein product. This variant is not present in population databases (ExAC no frequency). This variant has not been reported in the literature in individuals with DSP-related conditions. Loss-of-function variants in DSP are known to be pathogenic (PMID: 20716751, 24503780, 25227139). For these reasons, this variant has been classified as Pathogenic.

Literature cited by the submitters: PubMed 28087566 (cited by Ambry Genetics); PubMed 38938828 (cited by Ambry Genetics); PubMed 20716751 (cited by Labcorp Genetics (formerly Invitae), Labcorp); PubMed 24503780 (cited by Labcorp Genetics (formerly Invitae), Labcorp); PubMed 25227139 (cited by Labcorp Genetics (formerly Invitae), Labcorp).

NM_004415.4(DSP):c.5014C>T (p.Gln1672Ter)

Gene: DSP (desmoplakin; plus strand). Cytogenetic location: 6p24.3.
Variant type: single nucleotide variant.
Coding change: c.5014C>T on transcript NM_004415.4 (MANE Select); coding-DNA position 5014, C replaced by T.
Protein change: p.Gln1672Ter; replaces glutamine 1672 with a stop codon.
Molecular consequence: nonsense. On other transcripts: intron variant (2).
Genome position (GRCh38, 1-based): chr6:7,581,204, C>T. VCF-style: chr6-7581204-C-T. GRCh37 (hg19) VCF-style: chr6-7581437-C-T.
Other names: c.4050+964C>T (NM_001319034.2); c.3582+1432C>T (NM_001008844.3); c.5014C>T (NM_004415.2); short protein forms Q1672*.
Identifiers: ClinVar variation 1072004 (VCV001072004.8), dbSNP rs786205416, ClinGen allele CA362687649.